The following is an entry in ClinVar:

NM_144670.6(A2ML1):c.587A>T (p.Tyr196Phe)

Gene: A2ML1 (alpha-2-macroglobulin like 1; plus strand). Cytogenetic location: 12p13.31.
Variant type: single nucleotide variant.
Coding change: c.587A>T on transcript NM_144670.6 (MANE Select); coding-DNA position 587, A replaced by T.
Protein change: p.Tyr196Phe; replaces tyrosine 196 with phenylalanine.
Molecular consequence: missense variant.
Genome position (GRCh38, 1-based): chr12:8,835,610, A>T. VCF-style: chr12-8835610-A-T. GRCh37 (hg19) VCF-style: chr12-8988206-A-T.
Other names: short protein forms Y196F.
Identifiers: ClinVar variation 5021479 (VCV005021479.1).

ClinVar aggregate classification (germline): Uncertain significance (1 of 4 stars; one submission).

Submission:

Ambry Genetics
Classification: Uncertain significance. Last evaluated: 2026-06-25. Review status: criteria provided, single submitter. Criteria: Ambry Variant Classification Scheme 2023. Collection method: clinical testing. Allele origin: germline.
Comment: The p.Y196F variant (also known as c.587A>T), located in coding exon 6 of the A2ML1 gene, results from an A to T substitution at nucleotide position 587. The tyrosine at codon 196 is replaced by phenylalanine, an amino acid with highly similar properties. This amino acid position is conserved. In addition, the in silico prediction for this alteration is inconclusive. Based on the available evidence, the clinical significance of this variant remains unclear.